The following is an entry in ClinVar:

NM_014727.3(KMT2B):c.7265A>G (p.Asp2422Gly)

Gene: KMT2B (lysine methyltransferase 2B; plus strand). Cytogenetic location: 19q13.12.
Variant type: single nucleotide variant.
Coding change: c.7265A>G on transcript NM_014727.3 (MANE Select); coding-DNA position 7265, A replaced by G.
Protein change: p.Asp2422Gly; replaces aspartic acid 2422 with glycine.
Molecular consequence: missense variant.
Genome position (GRCh38, 1-based): chr19:35,736,795, A>G. VCF-style: chr19-35736795-A-G. GRCh37 (hg19) VCF-style: chr19-36227696-A-G.
Other names: short protein forms D2422G.
Identifiers: ClinVar variation 2104038 (VCV002104038.4), dbSNP rs2513365069, ClinGen allele CA405434305.

ClinVar aggregate classification (germline): Pathogenic (1 of 4 stars; one submission).

Submission:

Labcorp Genetics (formerly Invitae), Labcorp
Classification: Pathogenic. Last evaluated: 2022-09-06. Review status: criteria provided, single submitter. Criteria: Invitae Variant Classification Sherloc (09022015). Collection method: clinical testing. Allele origin: germline.
Comment: This sequence change replaces aspartic acid, which is acidic and polar, with glycine, which is neutral and non-polar, at codon 2422 of the KMT2B protein (p.Asp2422Gly). This variant is not present in population databases (gnomAD no frequency). This missense change has been observed in individual(s) with clinical features of KMT2B-related conditions (Invitae). In at least one individual the variant was observed to be de novo. Algorithms developed to predict the effect of missense changes on protein structure and function are either unavailable or do not agree on the potential impact of this missense change (SIFT: "Deleterious"; PolyPhen-2: "Not Available"; Align-GVGD: "Class C0"). Algorithms developed to predict the effect of sequence changes on RNA splicing suggest that this variant may disrupt the consensus splice site. For these reasons, this variant has been classified as Pathogenic.